The following is an entry in ClinVar:

NM_001365951.3(KIF1B):c.1634A>G (p.Glu545Gly)

Gene: KIF1B (kinesin family member 1B; plus strand). Cytogenetic location: 1p36.22.
Variant type: single nucleotide variant.
Coding change: c.1634A>G on transcript NM_001365951.3 (MANE Select); coding-DNA position 1634, A replaced by G.
Protein change: p.Glu545Gly; replaces glutamic acid 545 with glycine.
Molecular consequence: missense variant.
Genome position (GRCh38, 1-based): chr1:10,295,129, A>G. VCF-style: chr1-10295129-A-G. GRCh37 (hg19) VCF-style: chr1-10355187-A-G.
Other names: c.1634A>G, p.Glu545Gly (NM_001365952.1); c.1496A>G, p.Glu499Gly (NM_001365953.1, NM_015074.3, NM_183416.4); short protein forms E499G, E545G.
Identifiers: ClinVar variation 1773889 (VCV001773889.2), dbSNP rs2521384831, ClinGen allele CA338314476.

ClinVar aggregate classification (germline): Uncertain significance (1 of 4 stars; one submission).

Submission:

Ambry Genetics
Classification: Uncertain significance. Last evaluated: 2022-03-19. Review status: criteria provided, single submitter. Criteria: Ambry Variant Classification Scheme 2023. Collection method: clinical testing. Allele origin: germline.
Comment: The p.E499G variant (also known as c.1496A>G), located in coding exon 15 of the KIF1B gene, results from an A to G substitution at nucleotide position 1496. The glutamic acid at codon 499 is replaced by glycine, an amino acid with similar properties. This amino acid position is conserved. In addition, this alteration is predicted to be deleterious by in silico analysis. Since supporting evidence is limited at this time, the clinical significance of this alteration remains unclear.